The following is an entry in ClinVar:

NM_001371395.1(USP53):c.2720C>T (p.Ser907Phe)

Gene: USP53 (ubiquitin specific peptidase 53; plus strand). Cytogenetic location: 4q26.
Variant type: single nucleotide variant.
Coding change: c.2720C>T on transcript NM_001371395.1 (MANE Select); coding-DNA position 2720, C replaced by T.
Protein change: p.Ser907Phe; replaces serine 907 with phenylalanine.
Molecular consequence: missense variant. On other transcripts: 3 prime UTR variant (4).
Genome position (GRCh38, 1-based): chr4:119,292,709, C>T. VCF-style: chr4-119292709-C-T. GRCh37 (hg19) VCF-style: chr4-120213864-C-T.
Other names: c.2567C>T, p.Ser856Phe (NM_001371396.1, NM_001389661.1); c.*220C>T (NM_001371397.1, NM_001371398.1, NM_001389666.1 and 1 more transcripts); c.2720C>T, p.Ser907Phe (NM_001371399.1, NM_001389658.1, NM_001389659.1 and 1 more transcripts); c.2570C>T, p.Ser857Phe (NM_001389660.1); c.2372C>T, p.Ser791Phe (NM_001389662.1, NM_001389663.1, NM_001389664.1); c.2219C>T, p.Ser740Phe (NM_001389665.1); short protein forms S856F, S791F, S907F, S740F, S857F.
Identifiers: ClinVar variation 4704368 (VCV004704368.1).

ClinVar aggregate classification (germline): Uncertain significance (1 of 4 stars; one submission).

gnomAD v4.1: 2 of 1,614,100 alleles (0.00012%); highest among the groups gnomAD compares: South Asian, 0.0022%; no homozygotes.

Submission:

Labcorp Genetics (formerly Invitae), Labcorp
Classification: Uncertain significance. Last evaluated: 2026-01-18. Review status: criteria provided, single submitter. Criteria: Invitae Variant Classification Sherloc (09022015). Collection method: clinical testing. Allele origin: germline.
Comment: This sequence change replaces serine, which is neutral and polar, with phenylalanine, which is neutral and non-polar, at codon 907 of the USP53 protein (p.Ser907Phe). This variant is present in population databases (no rsID available, gnomAD 0.006%). This variant has not been reported in the literature in individuals affected with USP53-related conditions. Invitae Evidence Modeling of protein sequence and biophysical properties (such as structural, functional, and spatial information, amino acid conservation, physicochemical variation, residue mobility, and thermodynamic stability) indicates that this missense variant is not expected to disrupt USP53 protein function with a negative predictive value of 80%. In summary, the available evidence is currently insufficient to determine the role of this variant in disease. Therefore, it has been classified as a Variant of Uncertain Significance.